The following is an entry in ClinVar:

ClinVar aggregate classification (germline): Uncertain significance (1 of 4 stars; one submission).

Conditions:
Oligodontia-cancer predisposition syndrome. Also called: TOOTH AGENESIS-COLORECTAL CANCER SYNDROME. Identifiers: Orphanet 300576, MedGen C1837750, MONDO:0012075, OMIM 608615. Disease mechanism: loss of function.

Submission:

Labcorp Genetics (formerly Invitae), Labcorp
Classification: Uncertain significance for Oligodontia-cancer predisposition syndrome. Last evaluated: 2019-04-04. Review status: criteria provided, single submitter. Criteria: Invitae Variant Classification Sherloc (09022015). Collection method: clinical testing. Allele origin: germline.
Comment: This sequence change replaces aspartic acid with tyrosine at codon 682 of the AXIN2 protein (p.Asp682Tyr). The aspartic acid residue is highly conserved and there is a large physicochemical difference between aspartic acid and tyrosine. This variant is not present in population databases (ExAC no frequency). This variant has not been reported in the literature in individuals with AXIN2-related disease. Algorithms developed to predict the effect of missense changes on protein structure and function do not agree on the potential impact of this missense change (SIFT: "Deleterious"; PolyPhen-2: "Probably Damaging"; Align-GVGD: "Class C0"). In summary, the available evidence is currently insufficient to determine the role of this variant in disease. Therefore, it has been classified as a Variant of Uncertain Significance.

NM_004655.4(AXIN2):c.2044G>T (p.Asp682Tyr)

Gene: AXIN2 (axin 2; minus strand). Cytogenetic location: 17q24.1.
Variant type: single nucleotide variant.
Coding change: c.2044G>T on transcript NM_004655.4 (MANE Select); coding-DNA position 2044, G replaced by T.
Protein change: p.Asp682Tyr; replaces aspartic acid 682 with tyrosine.
Molecular consequence: missense variant.
Genome position (GRCh38, 1-based): chr17:65,536,417, C>A on the plus strand (G>T on the coding strand, the complement: AXIN2 is on the minus strand). VCF-style: chr17-65536417-C-A. GRCh37 (hg19) VCF-style: chr17-63532535-C-A.
Other names: c.2044G>T (LRG_296t1); c.1849G>T, p.Asp617Tyr (NM_001363813.1); short protein forms D682Y, D617Y.
Identifiers: ClinVar variation 533182 (VCV000533182.10), dbSNP rs1555577097, ClinGen allele CA400676099.